The following is an entry in ClinVar:

ClinVar aggregate classification (germline): Uncertain significance (1 of 4 stars; one submission).

Conditions:
Malignant hyperthermia, susceptibility to, 5 (MHS5). Also called: CACNA1S-Related Malignant Hyperthermia Susceptibility. Identifiers: Orphanet 423, MedGen C1866077, MONDO:0011163, OMIM 601887.

gnomAD v4.1: 1 of 1,614,082 alleles (0.000062%); highest among the groups gnomAD compares: Admixed American, 0.0017%; no homozygotes.

Submission:

All of Us Research Program, National Institutes of Health
Classification: Uncertain significance for Malignant hyperthermia, susceptibility to, 5. Last evaluated: 2024-04-25. Review status: criteria provided, single submitter. Criteria: ACMG Guidelines, 2015. Collection method: clinical testing. Allele origin: germline. Inheritance: Autosomal dominant inheritance. Observed: 1 variant allele, 1 heterozygote.
Comment: This missense variant replaces alanine with valine at codon 1404 of the CACNA1S protein. Computational prediction suggests that this variant may not impact protein structure and function. To our knowledge, functional studies have not been reported for this variant. This variant has not been reported in individuals affected with CACNA1S-related disorders in the literature. This variant has not been identified in the general population by the Genome Aggregation Database (gnomAD). The available evidence is insufficient to determine the role of this variant in disease conclusively. Therefore, this variant is classified as a Variant of Uncertain Significance.

This study involves interpretation of variants in research participants for the purpose of population health screening. Participant phenotype was not available at the time of variant classification. Additional details can be found in publication PMID: 35346344, PMCID: PMC8962531

NM_000069.3(CACNA1S):c.4211C>T (p.Ala1404Val)

Gene: CACNA1S (calcium voltage-gated channel subunit alpha1 S; minus strand). Cytogenetic location: 1q32.1.
Variant type: single nucleotide variant.
Coding change: c.4211C>T on transcript NM_000069.3 (MANE Select); coding-DNA position 4211, C replaced by T.
Protein change: p.Ala1404Val; replaces alanine 1404 with valine.
Molecular consequence: missense variant.
Genome position (GRCh38, 1-based): chr1:201,050,419, G>A on the plus strand (C>T on the coding strand, the complement: CACNA1S is on the minus strand). VCF-style: chr1-201050419-G-A. GRCh37 (hg19) VCF-style: chr1-201019547-G-A.
Other names: short protein forms A1404V.
Identifiers: ClinVar variation 3386306 (VCV003386306.1).